The following is an entry in ClinVar:

NM_000455.5(STK11):c.268A>G (p.Asn90Asp)

Gene: STK11 (serine/threonine kinase 11; plus strand). Cytogenetic location: 19p13.3.
Variant type: single nucleotide variant.
Coding change: c.268A>G on transcript NM_000455.5 (MANE Select); coding-DNA position 268, A replaced by G.
Protein change: p.Asn90Asp; replaces asparagine 90 with aspartic acid.
Molecular consequence: missense variant.
Genome position (GRCh38, 1-based): chr19:1,207,181, A>G. VCF-style: chr19-1207181-A-G. GRCh37 (hg19) VCF-style: chr19-1207180-A-G.
Other names: c.268A>G, p.Asn90Asp (NM_001407255.1); short protein forms N90D.
Identifiers: ClinVar variation 1794772 (VCV001794772.2), dbSNP rs2145405937, ClinGen allele CA402944573.

ClinVar aggregate classification (germline): Uncertain significance (1 of 4 stars; one submission).

Conditions:
Hereditary cancer-predisposing syndrome. Also called: Tumor predisposition; Hereditary Cancer Syndrome; Neoplastic Syndromes, Hereditary; Hereditary neoplastic syndrome. Identifiers: Orphanet 140162, MedGen C0027672, MeSH D009386, MONDO:0015356.

Submission:

Ambry Genetics
Classification: Uncertain significance for Hereditary cancer-predisposing syndrome. Last evaluated: 2022-03-01. Review status: criteria provided, single submitter. Criteria: Ambry Variant Classification Scheme 2023. Collection method: clinical testing. Allele origin: germline.
Comment: The p.N90D variant (also known as c.268A>G), located in coding exon 1 of the STK11 gene, results from an A to G substitution at nucleotide position 268. The asparagine at codon 90 is replaced by aspartic acid, an amino acid with highly similar properties. This amino acid position is conserved. In addition, the in silico prediction for this alteration is inconclusive. Since supporting evidence is limited at this time, the clinical significance of this alteration remains unclear.